The following is an entry in ClinVar:

NM_024675.4(PALB2):c.2587-8T>C

Gene: PALB2 (partner and localizer of BRCA2; minus strand). Cytogenetic location: 16p12.2.
Variant type: single nucleotide variant.
Coding change: c.2587-8T>C on transcript NM_024675.4 (MANE Select); 8 bases into the intron before coding-DNA position 2587, T replaced by C.
Molecular consequence: intron variant.
Genome position (GRCh38, 1-based): chr16:23,626,405, A>G on the plus strand (T>C on the coding strand, the complement: PALB2 is on the minus strand). VCF-style: chr16-23626405-A-G. GRCh37 (hg19) VCF-style: chr16-23637726-A-G.
Identifiers: ClinVar variation 630759 (VCV000630759.12), dbSNP rs1489345430, ClinGen allele CA621661844.

ClinVar aggregate classification (germline): Likely benign. Review status: criteria provided, multiple submitters, no conflicts (2 of 4 stars). 3 submissions from 3 submitters: Likely benign (3). Last evaluated 2025-12-10.

Conditions:
Hereditary cancer-predisposing syndrome. Also called: Tumor predisposition; Neoplastic Syndromes, Hereditary; Hereditary neoplastic syndrome; Hereditary Cancer Syndrome. Identifiers: Orphanet 140162, MedGen C0027672, MeSH D009386, MONDO:0015356.
Familial cancer of breast. Also called: hereditary breast carcinoma; BREAST CANCER, FAMILIAL; Hereditary breast cancer. Identifiers: Orphanet 227535, MedGen C0346153, MONDO:0016419, OMIM 114480. Disease mechanism: loss of function.

Allele frequency attached by ClinVar (database versions not stated): gnomAD exomes below 0.00001; TOPMed 0.00001.

Submissions (3):

Labcorp Genetics (formerly Invitae), Labcorp
Classification: Likely benign for Familial cancer of breast. Last evaluated: 2025-12-10. Review status: criteria provided, single submitter. Criteria: Invitae Variant Classification Sherloc (09022015). Collection method: clinical testing. Allele origin: germline.

Myriad Genetics, Inc.
Classification: Likely benign for Familial cancer of breast. Last evaluated: 2025-01-17. Review status: criteria provided, single submitter. Criteria: Myriad Autosomal Dominant, Autosomal Recessive and X-Linked Classification Criteria (2023). Collection method: clinical testing. Allele origin: unknown.
Comment: This variant is considered likely benign. This variant is intronic and is not expected to impact mRNA splicing.

Color Diagnostics, LLC DBA Color Health
Classification: Likely benign for Hereditary cancer-predisposing syndrome. Last evaluated: 2017-11-09. Review status: criteria provided, single submitter. Criteria: ACMG Guidelines, 2015. Collection method: clinical testing. Allele origin: germline.